The following is an entry in ClinVar:

NM_022455.5(NSD1):c.6770_6771insTCA (p.Asp2257_Thr2258insHis)

Gene: NSD1 (nuclear receptor binding SET domain protein 1; plus strand). Cytogenetic location: 5q35.3.
Variant type: Insertion.
Coding change: c.6770_6771insTCA on transcript NM_022455.5 (MANE Select); coding-DNA positions 6770 to 6771, TCA inserted.
Protein change: p.Asp2257_Thr2258insHis.
Molecular consequence: inframe insertion.
Genome position: GRCh38 VCF-style: chr5-177294137-G-GATC. GRCh37 (hg19) VCF-style: chr5-176721138-G-GATC.
Other names: c.5897_5898insTCA, p.Asp1966_Thr1967insHis (NM_001365684.2, NM_001409308.1, NM_172349.5); c.6770_6771insTCA, p.Asp2257_Thr2258insHis (NM_001409301.1, NM_001409302.1, NM_001409303.1); c.6350_6351insTCA, p.Asp2117_Thr2118insHis (NM_001409304.1); c.6017_6018insTCA, p.Asp2006_Thr2007insHis (NM_001409305.1); c.6008_6009insTCA, p.Asp2003_Thr2004insHis (NM_001409306.1, NM_001409307.1); c.5648_5649insTCA, p.Asp1883_Thr1884insHis (NM_001409309.1).
Identifiers: ClinVar variation 4278738 (VCV004278738.1).

ClinVar aggregate classification (germline): Uncertain significance (1 of 4 stars; one submission).

Submission:

GeneDx
Classification: Uncertain significance. Last evaluated: 2025-04-01. Review status: criteria provided, single submitter. Criteria: GeneDx Variant Classification Process June 2021. Collection method: clinical testing. Allele origin: germline. Affected: yes.
Comment: Not observed at significant frequency in large population cohorts (gnomAD); In-frame insertion of 1 amino acid(s) in a non-repeat region; Has not been previously published as pathogenic or benign to our knowledge